The following is an entry in ClinVar:

NM_052865.4(MGME1):c.752_755del (p.Asp251fs)

Gene: MGME1 (mitochondrial genome maintenance exonuclease 1; plus strand). Cytogenetic location: 20p11.23.
Variant type: Microsatellite.
Coding change: c.752_755del on transcript NM_052865.4 (MANE Select); coding-DNA positions 752 to 755, 4 bases deleted (ATTG; older notation c.752_755delATTG).
Protein change: p.Asp251fs; shifts the reading frame from aspartic acid 251.
Molecular consequence: frameshift variant. On other transcripts: intron variant (1).
Genome position (GRCh38, 1-based): chr20:17,988,186-17,988,189, ATTG deleted; deleting any 4 consecutive bases within chr20:17,988,180-17,988,189 gives the same sequence; the c. name uses the placement nearest the transcript's 3' end. VCF-style (leftmost placement, unchanged base first): chr20-17988179-GTGAT-G. GRCh37 (hg19) VCF-style: chr20-17968822-GTGAT-G.
Other names: c.797_800del, p.Asp266fs (NM_001310338.2); c.512_515del, p.Asp171fs (NM_001363738.2); c.512-1753_512-1750del (NM_001310339.2); short protein forms D171fs, D251fs, D266fs.
Identifiers: ClinVar variation 1910391 (VCV001910391.5), dbSNP rs772516937, ClinGen allele CA9775033.

ClinVar aggregate classification (germline): Uncertain significance (1 of 4 stars; one submission).

Submission:

Labcorp Genetics (formerly Invitae), Labcorp
Classification: Uncertain significance. Last evaluated: 2022-03-08. Review status: criteria provided, single submitter. Criteria: Invitae Variant Classification Sherloc (09022015). Collection method: clinical testing. Allele origin: germline.
Comment: This sequence change creates a premature translational stop signal (p.Asp251Glyfs*28) in the MGME1 gene. While this is not anticipated to result in nonsense mediated decay, it is expected to disrupt the last 94 amino acid(s) of the MGME1 protein. This variant is present in population databases (rs772516937, gnomAD 0.0009%). This variant has not been reported in the literature in individuals affected with MGME1-related conditions. Experimental studies and prediction algorithms are not available or were not evaluated, and the functional significance of this variant is currently unknown. In summary, the available evidence is currently insufficient to determine the role of this variant in disease. Therefore, it has been classified as a Variant of Uncertain Significance.